The following is an entry in ClinVar:

ClinVar aggregate classification (germline): Uncertain significance (1 of 4 stars; one submission).

Conditions:
Hypercholesterolemia, autosomal dominant, type B (FHCL2). Also called: APOB-Related Familial Hypercholesterolemia, Autosomal Dominant; Hyperlipoproteinemia Type IIb; Familial Hypercholesterolemia Type B; APOLIPOPROTEIN B-100, FAMILIAL DEFECTIVE; APOLIPOPROTEIN B-100, FAMILIAL LIGAND-DEFECTIVE; HYPERCHOLESTEROLEMIA, FAMILIAL, DUE TO LIGAND-DEFECTIVE APOLIPOPROTEIN B. Identifiers: MedGen C1704417, MONDO:0007751, OMIM 144010.
Familial hypobetalipoproteinemia 1. Also called: Hypobetalipoproteinemia, normotriglyceridemic; Acanthocytosis with hypobetalipoproteinemia; APOB-Related Familial Hypobetalipoproteinemia. Identifiers: MedGen C4551990, MONDO:0014252, OMIM 615558.

Submission:

Labcorp Genetics (formerly Invitae), Labcorp
Classification: Uncertain significance for Familial hypobetalipoproteinemia 1; Hypercholesterolemia, autosomal dominant, type B. Last evaluated: 2017-05-08. Review status: criteria provided, single submitter. Criteria: Invitae Variant Classification Sherloc (09022015). Collection method: clinical testing. Allele origin: germline.
Comment: In summary, this variant is a novel missense change that is not predicted to affect protein function. There is no indication that it causes disease, but the available evidence is currently insufficient to prove that conclusively. Therefore, it has been classified as a Variant of Uncertain Significance. Algorithms developed to predict the effect of missense changes on protein structure and function output the following: SIFT: "Tolerated"; PolyPhen-2: "Benign"; Align-GVGD: "Class C0". The alanine amino acid residue is found in multiple mammalian species, suggesting that this missense change does not adversely affect protein function. These predictions have not been confirmed by published functional studies. This variant is not present in population databases (ExAC no frequency) and has not been reported in the literature in individuals with a APOB-related disease. This sequence change replaces threonine with alanine at codon 3626 of the APOB protein (p.Thr3626Ala). The threonine residue is moderately conserved and there is a small physicochemical difference between threonine and alanine.

NM_000384.3(APOB):c.10876A>G (p.Thr3626Ala)

Gene: APOB (apolipoprotein B; minus strand). Cytogenetic location: 2p24.1.
Variant type: single nucleotide variant.
Coding change: c.10876A>G on transcript NM_000384.3 (MANE Select); coding-DNA position 10876, A replaced by G.
Protein change: p.Thr3626Ala; replaces threonine 3626 with alanine.
Molecular consequence: missense variant.
Genome position (GRCh38, 1-based): chr2:21,005,992, T>C on the plus strand (A>G on the coding strand, the complement: APOB is on the minus strand). VCF-style: chr2-21005992-T-C. GRCh37 (hg19) VCF-style: chr2-21228864-T-C.
Other names: short protein forms T3626A.
Identifiers: ClinVar variation 477791 (VCV000477791.9), dbSNP rs1553382890, ClinGen allele CA345984788.